The following is an entry in ClinVar:

NM_024675.4(PALB2):c.2816T>C (p.Leu939Ser)

Gene: PALB2 (partner and localizer of BRCA2; minus strand). Cytogenetic location: 16p12.2.
Variant type: single nucleotide variant.
Coding change: c.2816T>C on transcript NM_024675.4 (MANE Select); coding-DNA position 2816, T replaced by C.
Protein change: p.Leu939Ser; replaces leucine 939 with serine.
Molecular consequence: missense variant.
Genome position (GRCh38, 1-based): chr16:23,624,027, A>G on the plus strand (T>C on the coding strand, the complement: PALB2 is on the minus strand). VCF-style: chr16-23624027-A-G. GRCh37 (hg19) VCF-style: chr16-23635348-A-G.
Other names: c.2756T>C, p.Leu919Ser (NM_001407296.1); c.2744T>C, p.Leu915Ser (NM_001407297.1); c.2654T>C, p.Leu885Ser (NM_001407298.1, NM_001407302.1); c.2816T>C, p.Leu939Ser (NM_001407299.1, NM_001407300.1, NM_001407301.1); c.1931T>C, p.Leu644Ser (NM_001407304.1, NM_001407305.1, NM_001407306.1 and 4 more transcripts); c.1769T>C, p.Leu590Ser (NM_001407307.1); c.1028T>C, p.Leu343Ser (NM_001407312.1, NM_001407313.1); c.350T>C, p.Leu117Ser (NM_001407314.1); short protein forms L117S, L590S, L644S, L343S, L939S, L885S, L915S, L919S.
Identifiers: ClinVar variation 3652897 (VCV003652897.3).
Genomic context (GRCh38, chr16:23,624,027, plus strand): 5'-AAAGATGAAGGAAAAACAAATCACTCCTTGGGAATTACATACCTGATCTCTCTGATTTCC[A>G]AATTTCCCAAAGCTACACACACGAGATTATACACATCAGGCACTGGAACTATCTGTAATA-3'
Protein context (NP_078951.2, residues 929-949): YNLVCVALGN[Leu939Ser]EIREIRALFC

ClinVar aggregate classification (germline): Uncertain significance. Review status: criteria provided, multiple submitters, no conflicts (2 of 4 stars). 2 submissions from 2 submitters: Uncertain significance (2). Last evaluated 2026-05-21.

Conditions:
Hereditary cancer-predisposing syndrome. Also called: Hereditary neoplastic syndrome; Tumor predisposition; Hereditary Cancer Syndrome; Neoplastic Syndromes, Hereditary. Identifiers: Orphanet 140162, MedGen C0027672, MeSH D009386, MONDO:0015356.
Familial cancer of breast. Also called: BREAST CANCER, FAMILIAL; Hereditary breast cancer; hereditary breast carcinoma. Identifiers: Orphanet 227535, MedGen C0346153, MONDO:0016419, OMIM 114480. Disease mechanism: loss of function.

gnomAD v4.1: 2 of 1,597,536 alleles (0.00013%); highest among the groups gnomAD compares: Non-Finnish European, 0.00017%; no homozygotes.

Submissions (2):

Ambry Genetics
Classification: Uncertain significance for Hereditary cancer-predisposing syndrome. Last evaluated: 2026-05-21. Review status: criteria provided, single submitter. Criteria: Ambry Variant Classification Scheme 2023. Collection method: clinical testing. Allele origin: germline.
Comment: The p.L939S variant (also known as c.2816T>C), located in coding exon 8 of the PALB2 gene, results from a T to C substitution at nucleotide position 2816. The leucine at codon 939 is replaced by serine, an amino acid with dissimilar properties. This amino acid position is highly conserved in available vertebrate species. In addition, the in silico prediction for this alteration is inconclusive. Based on the available evidence, the clinical significance of this variant remains unclear.

Labcorp Genetics (formerly Invitae), Labcorp
Classification: Uncertain significance for Familial cancer of breast. Last evaluated: 2024-05-10. Review status: criteria provided, single submitter. Criteria: Invitae Variant Classification Sherloc (09022015). Collection method: clinical testing. Allele origin: germline.
Comment: This sequence change replaces leucine, which is neutral and non-polar, with serine, which is neutral and polar, at codon 939 of the PALB2 protein (p.Leu939Ser). This variant is not present in population databases (gnomAD no frequency). This variant has not been reported in the literature in individuals affected with PALB2-related conditions. Advanced modeling of protein sequence and biophysical properties (such as structural, functional, and spatial information, amino acid conservation, physicochemical variation, residue mobility, and thermodynamic stability) performed at Invitae indicates that this missense variant is expected to disrupt PALB2 protein function with a positive predictive value of 80%. In summary, the available evidence is currently insufficient to determine the role of this variant in disease. Therefore, it has been classified as a Variant of Uncertain Significance.